The following is an entry in ClinVar:

NM_003742.4(ABCB11):c.1763C>G (p.Ala588Gly)

Gene: ABCB11 (ATP binding cassette subfamily B member 11; minus strand). Cytogenetic location: 2q31.1.
Variant type: single nucleotide variant.
Coding change: c.1763C>G on transcript NM_003742.4 (MANE Select); coding-DNA position 1763, C replaced by G.
Protein change: p.Ala588Gly; replaces alanine 588 with glycine.
Molecular consequence: missense variant.
Genome position (GRCh38, 1-based): chr2:168,970,091, G>C on the plus strand (C>G on the coding strand, the complement: ABCB11 is on the minus strand). VCF-style: chr2-168970091-G-C. GRCh37 (hg19) VCF-style: chr2-169826601-G-C.
Other names: NM_003742.4(ABCB11):c.1763C>G; p.Ala588Gly; short protein forms A588G.
Identifiers: ClinVar variation 2782675 (VCV002782675.4), dbSNP rs917981474, ClinGen allele CA349113726.

ClinVar aggregate classification (germline): Conflicting classifications of pathogenicity. Review status: criteria provided, conflicting classifications (1 of 4 stars). 2 submissions from 2 submitters: Likely pathogenic (1); Uncertain significance (1). Last evaluated 2025-01-27.

Conditions:
Progressive familial intrahepatic cholestasis type 2. Identifiers: Orphanet 79304, MedGen C3489789, MONDO:0011156, OMIM 601847.

gnomAD v4.1: 1 of 1,612,922 alleles (0.000062%); highest among the groups gnomAD compares: African/African-American, 0.0013%; no homozygotes.

Submissions (2):

Broad Center for Mendelian Genomics, Broad Institute of MIT and Harvard
Classification: Uncertain significance for Progressive familial intrahepatic cholestasis type 2. Last evaluated: 2025-01-27. Review status: criteria provided, single submitter. Criteria: ACMG Guidelines, 2015. Collection method: curation. Allele origin: germline. Inheritance: Autosomal recessive inheritance.
Comment: The p.Ala588Gly variant in ABCB11 has not been previously reported in the literature in individuals with BSEP deficiency, and has been identified in 0.001% (1/74926) of African/African American chromosomes by the Genome Aggregation Database (gnomAD; dbSNP rs917981474). Although this variant has been seen in the general population in a heterozygous state, its frequency is low enough to be consistent with a recessive carrier frequency. This variant has also been reported in ClinVar (Variation ID: 2782675) and has been interpreted as likely pathogenic by Invitae. Computational prediction tools and conservation analyses suggest that this variant may impact the protein, though this information is not predictive enough to determine pathogenicity. Two additional likely pathogenic or pathogenic variants, resulting in a different amino acid change at the same position, p.Ala588Val and p.Ala588Pro, have been reported in association with disease in the literature or ClinVar, supporting that a change at this position may not be tolerated (PMID: 36046230, 27050426/Variation ID: 594531). In summary, the clinical significance of the p.Ala588Gly variant is uncertain. ACMG/AMP Criteria applied: PM5, PP3, PM2_supporting (Richards 2015).

Labcorp Genetics (formerly Invitae), Labcorp
Classification: Likely pathogenic. Last evaluated: 2023-07-19. Review status: criteria provided, single submitter. Criteria: Invitae Variant Classification Sherloc (09022015). Collection method: clinical testing. Allele origin: germline.
Comment: This variant has not been reported in the literature in individuals affected with ABCB11-related conditions. This variant is present in population databases (no rsID available, gnomAD 0.007%). This sequence change replaces alanine, which is neutral and non-polar, with glycine, which is neutral and non-polar, at codon 588 of the ABCB11 protein (p.Ala588Gly). Advanced modeling of protein sequence and biophysical properties (such as structural, functional, and spatial information, amino acid conservation, physicochemical variation, residue mobility, and thermodynamic stability) performed at Invitae indicates that this missense variant is expected to disrupt ABCB11 protein function. In summary, the currently available evidence indicates that the variant is pathogenic, but additional data are needed to prove that conclusively. Therefore, this variant has been classified as Likely Pathogenic. This variant disrupts the p.Ala588 amino acid residue in ABCB11. Other variant(s) that disrupt this residue have been determined to be pathogenic (PMID: 18395098, 34016879). This suggests that this residue is clinically significant, and that variants that disrupt this residue are likely to be disease-causing.

Literature cited by the submitters: PubMed 18395098 (cited by Labcorp Genetics (formerly Invitae), Labcorp); PubMed 34016879 (cited by Labcorp Genetics (formerly Invitae), Labcorp).